The following is an entry in ClinVar:

ClinVar aggregate classification (germline): Pathogenic/Likely pathogenic. Review status: criteria provided, multiple submitters, no conflicts (2 of 4 stars). 2 submissions from 2 submitters: Pathogenic (1); Likely pathogenic (1). Last evaluated 2024-10-27.

Conditions:
Spastic paraplegia. Identifiers: MedGen C0037772, HP:0001258.
Charlevoix-Saguenay spastic ataxia (SACS). Also called: SPASTIC ATAXIA 6, AUTOSOMAL RECESSIVE; AUTOSOMAL RECESSIVE SPASTIC ATAXIA OF CHARLEVOIX-SAGUENAY; Spastic ataxia of Charlevoix-Saguenay. Identifiers: Orphanet 98, MedGen C1849140, MONDO:0010041, OMIM 270550.

Submissions (2):

Natera, Inc.
Classification: Likely pathogenic for Charlevoix-Saguenay type spastic ataxia. Last evaluated: 2024-10-27. Review status: criteria provided, single submitter. Criteria: Natera Variant Classification Schema (03/2026). Collection method: clinical testing. Allele origin: germline.
Comment: The c.12416dup variant in SACS is a frameshift variant predicted to shift the reading frame beginning at codon 4139 and leads to a stop codon 6 codons downstream. This variant is expected to result in nonsense mediated decay, truncation, or a dysfunctional protein product. This variant is rare in the general population with a frequency below the threshold expected for the associated phenotype(s). Given the available evidence, this variant is classified as Likely Pathogenic.

Labcorp Genetics (formerly Invitae), Labcorp
Classification: Pathogenic for Spastic paraplegia. Last evaluated: 2022-03-23. Review status: criteria provided, single submitter. Criteria: Invitae Variant Classification Sherloc (09022015). Collection method: clinical testing. Allele origin: germline.
Comment: For these reasons, this variant has been classified as Pathogenic. This sequence change creates a premature translational stop signal (p.Leu4139Phefs*6) in the SACS gene. While this is not anticipated to result in nonsense mediated decay, it is expected to disrupt the last 441 amino acid(s) of the SACS protein. This variant is not present in population databases (gnomAD no frequency). This variant has not been reported in the literature in individuals affected with SACS-related conditions. This variant disrupts a region of the SACS protein in which other variant(s) (p.Asn4549Asp) have been determined to be pathogenic (PMID: 15156359, 21507954). This suggests that this is a clinically significant region of the protein, and that variants that disrupt it are likely to be disease-causing.

Literature cited by the submitters: PubMed 15156359 (cited by Labcorp Genetics (formerly Invitae), Labcorp); PubMed 21507954 (cited by Labcorp Genetics (formerly Invitae), Labcorp).

NM_014363.6(SACS):c.12416dup (p.Leu4139fs)

Gene: SACS (sacsin molecular chaperone; minus strand). Cytogenetic location: 13q12.12.
Variant type: Duplication.
Coding change: c.12416dup on transcript NM_014363.6 (MANE Select); coding-DNA position 12416, one base duplicated (T; older notation c.12416dupT).
Protein change: p.Leu4139fs; shifts the reading frame from leucine 4139.
Molecular consequence: frameshift variant.
Genome position (GRCh38, 1-based): chr13:23,331,460, A duplicated on the plus strand (T on the coding strand, the reverse complement: SACS is on the minus strand); the first of 3 consecutive A bases (chr13:23,331,460-23,331,462); duplicating any one gives the same sequence. VCF-style (leftmost placement, unchanged base first): chr13-23331459-T-TA. GRCh37 (hg19) VCF-style: chr13-23905598-T-TA.
Other names: c.12416dup (NM_014363.5); c.11975dup, p.Leu3992fs (NM_001278055.2); short protein forms L3992fs, L4139fs.
Identifiers: ClinVar variation 2187025 (VCV002187025.5), dbSNP rs2542155609, ClinGen allele CA2575369401.
Genomic context (GRCh38, chr13:23,331,459, plus strand): 5'-TGGTGTGCCAGGCATTGGAAGTTCCAGTTTTGATGGCTCCGAAGAGTCATATTTCACTCC[T>TA]AAACTGTCAAGTTTCTCACCAATCCTGTAAATATCATTGCATCCTAGCATAGCAATTAAA-3'